The following is an entry in ClinVar:

ClinVar aggregate classification (germline): Uncertain significance. Review status: criteria provided, multiple submitters, no conflicts (2 of 4 stars). 5 submissions from 5 submitters: Uncertain significance (4). 1 of the submissions does not count toward it. Last evaluated 2025-07-02.

Conditions:
NPHP4-related disorder. Also called: NPHP4-related disorders; NPHP4-related condition. Identifiers: MedGen CN239384.
Inborn genetic diseases. Identifiers: MedGen C0950123, MeSH D030342.
Nephronophthisis. Also called: Juvenile Nephronophthisis. Identifiers: Orphanet 655, MedGen C0687120, MONDO:0019005, HP:0000090.

Allele frequency attached by ClinVar (database versions not stated): gnomAD exomes 0.00003 and 0.00005; TOPMed 0.00006; gnomAD 0.00007 and 0.00008.
gnomAD v4.1: 53 of 1,604,142 alleles (0.0033%); highest among the groups gnomAD compares: African/African-American, 0.019%; no homozygotes.

Submissions (5):

Ambry Genetics
Classification: Uncertain significance for Inborn genetic diseases. Last evaluated: 2025-07-02. Review status: criteria provided, single submitter. Criteria: Ambry Variant Classification Scheme 2023. Collection method: clinical testing. Allele origin: germline.

GeneDx
Classification: Uncertain significance. Last evaluated: 2023-05-17. Review status: criteria provided, single submitter. Criteria: GeneDx Variant Classification Process June 2021. Collection method: clinical testing. Allele origin: germline. Affected: yes.
Comment: In silico analysis supports that this missense variant has a deleterious effect on protein structure/function; Has not been previously published as pathogenic or benign to our knowledge

Blueprint Genetics
Classification: Uncertain significance. Last evaluated: 2022-10-13. Review status: criteria provided, single submitter. Criteria: ACMG Guidelines, 2015. Collection method: clinical testing. Allele origin: germline.

Labcorp Genetics (formerly Invitae), Labcorp
Classification: Uncertain significance for Nephronophthisis. Last evaluated: 2022-09-27. Review status: criteria provided, single submitter. Criteria: Invitae Variant Classification Sherloc (09022015). Collection method: clinical testing. Allele origin: germline.
Comment: This sequence change replaces arginine, which is basic and polar, with cysteine, which is neutral and slightly polar, at codon 945 of the NPHP4 protein (p.Arg945Cys). This variant is present in population databases (rs767344564, gnomAD 0.02%). This variant has not been reported in the literature in individuals affected with NPHP4-related conditions. ClinVar contains an entry for this variant (Variation ID: 842338). Advanced modeling of protein sequence and biophysical properties (such as structural, functional, and spatial information, amino acid conservation, physicochemical variation, residue mobility, and thermodynamic stability) performed at Invitae indicates that this missense variant is expected to disrupt NPHP4 protein function. In summary, the available evidence is currently insufficient to determine the role of this variant in disease. Therefore, it has been classified as a Variant of Uncertain Significance.

PreventionGenetics, part of Exact Sciences
Classification: Uncertain significance for NPHP4-related condition. Last evaluated: 2024-05-09. Review status: no assertion criteria provided. Collection method: clinical testing. Allele origin: germline. Not counted in ClinVar's aggregate classification.
Comment: The NPHP4 c.2833C>T variant is predicted to result in the amino acid substitution p.Arg945Cys. To our knowledge, this variant has not been reported in the literature. This variant is reported in 0.025% of alleles in individuals of African descent in gnomAD. At this time, the clinical significance of this variant is uncertain due to the absence of conclusive functional and genetic evidence.

NM_015102.5(NPHP4):c.2833C>T (p.Arg945Cys)

Gene: NPHP4 (nephrocystin 4; minus strand). Cytogenetic location: 1p36.31.
Variant type: single nucleotide variant.
Coding change: c.2833C>T on transcript NM_015102.5 (MANE Select); coding-DNA position 2833, C replaced by T.
Protein change: p.Arg945Cys; replaces arginine 945 with cysteine.
Molecular consequence: missense variant. On other transcripts: non-coding transcript variant (1).
Genome position (GRCh38, 1-based): chr1:5,875,085, G>A on the plus strand (C>T on the coding strand, the complement: NPHP4 is on the minus strand). VCF-style: chr1-5875085-G-A. GRCh37 (hg19) VCF-style: chr1-5935145-G-A.
Other names: c.1294C>T, p.Arg432Cys (NM_001291593.2); c.1297C>T, p.Arg433Cys (NM_001291594.2); c.2833C>T (NM_015102.3); short protein forms R945C, R432C, R433C.
Identifiers: ClinVar variation 842338 (VCV000842338.10), dbSNP rs767344564, ClinGen allele CA553905.